The following is an entry in ClinVar:

NM_001267550.2(TTN):c.9164-1G>A

Gene: TTN (titin; minus strand). Cytogenetic location: 2q31.2.
Variant type: single nucleotide variant.
Coding change: c.9164-1G>A on transcript NM_001267550.2 (MANE Select); the canonical splice acceptor site of the intron before coding-DNA position 9164, G replaced by A.
Molecular consequence: splice acceptor variant.
Genome position (GRCh38, 1-based): chr2:178,768,156, C>T on the plus strand (G>A on the coding strand, the complement: TTN is on the minus strand). VCF-style: chr2-178768156-C-T. GRCh37 (hg19) VCF-style: chr2-179632883-C-T.
Other names: c.9026-1G>A (NM_003319.4, NM_133437.4, NM_133432.3); c.9164-1G>A (NM_133378.4, NM_001256850.1, NM_133379.5).
Identifiers: ClinVar variation 942752 (VCV000942752.10), dbSNP rs2090846146, ClinGen allele CA349675766.

ClinVar aggregate classification (germline): Likely pathogenic (1 of 4 stars; one submission).

Conditions:
Dilated cardiomyopathy 1G (CMD1G). Identifiers: Orphanet 154, MedGen C1858763, MONDO:0011400, OMIM 604145.
Autosomal recessive limb-girdle muscular dystrophy type 2J (LGMDR10). Also called: Limb-girdle muscular dystrophy, type 2J; MUSCULAR DYSTROPHY, LIMB-GIRDLE, AUTOSOMAL RECESSIVE 10. Identifiers: Orphanet 140922, MedGen C1837342, MONDO:0012127, OMIM 608807.

Allele frequency attached by ClinVar (database versions not stated): gnomAD exomes below 0.00001.
gnomAD v4.1: 2 of 1,613,912 alleles (0.00012%); highest among the groups gnomAD compares: Non-Finnish European, 0.000085%; no homozygotes.

Submission:

Labcorp Genetics (formerly Invitae), Labcorp
Classification: Likely pathogenic for Dilated cardiomyopathy 1G; Autosomal recessive limb-girdle muscular dystrophy type 2J. Last evaluated: 2024-10-18. Review status: criteria provided, single submitter. Criteria: Invitae Variant Classification Sherloc (09022015). Collection method: clinical testing. Allele origin: germline.
Comment: This sequence change affects an acceptor splice site in intron 38 of the TTN gene. It is expected to disrupt RNA splicing and likely results in a truncated or disrupted TTN protein. This variant is not present in population databases (gnomAD no frequency). This variant has not been reported in the literature in individuals affected with TTN-related conditions. ClinVar contains an entry for this variant (Variation ID: 942752). Algorithms developed to predict the effect of sequence changes on RNA splicing suggest that this variant may disrupt the consensus splice site. This variant is located in the I band of TTN (PMID: 25589632). Truncating variants in this region have been reported in individuals affected with autosomal recessive centronuclear myopathy (PMID: 23975875, internal data). Truncating variants in this region have also been identified in individuals affected with autosomal dominant dilated cardiomyopathy and/or cardio-related conditions (PMID: 27869827, 32964742, internal data). In summary, the currently available evidence indicates that the variant is pathogenic, but additional data are needed to prove that conclusively. Therefore, this variant has been classified as Likely Pathogenic.

Literature cited by the submitters: PubMed 25589632; PubMed 23975875; PubMed 27869827; PubMed 32964742.